The following is an entry in ClinVar:

NM_000018.4(ACADVL):c.1455dup (p.Gly486fs)

Gene: ACADVL (acyl-CoA dehydrogenase very long chain; plus strand). Cytogenetic location: 17p13.1.
Variant type: Duplication.
Coding change: c.1455dup on transcript NM_000018.4 (MANE Select); coding-DNA position 1455, one base duplicated (T; older notation c.1455dupT).
Protein change: p.Gly486fs; shifts the reading frame from glycine 486.
Molecular consequence: frameshift variant.
Genome position (GRCh38, 1-based): chr17:7,224,166, T duplicated. VCF-style (leftmost placement, unchanged base first): chr17-7224165-C-CT. GRCh37 (hg19) VCF-style: chr17-7127484-C-CT.
Other names: c.1389dup, p.Gly464fs (NM_001033859.3); c.1524dup, p.Gly509fs (NM_001270447.2); c.1227dup, p.Gly410fs (NM_001270448.2); short protein forms G464fs, G410fs, G486fs, G509fs.
Identifiers: ClinVar variation 2843812 (VCV002843812.3), dbSNP rs2508353313, ClinGen allele CA2739267106.

ClinVar aggregate classification (germline): Pathogenic (1 of 4 stars; one submission).

Conditions:
Very long chain acyl-CoA dehydrogenase deficiency (ACADVLD). Also called: Very Long-Chain Acyl-Coenzyme A Dehydrogenase Deficiency; VLCAD Deficiency. Identifiers: Orphanet 26793, MedGen C3887523, MONDO:0008723, OMIM 201475.

Submission:

Labcorp Genetics (formerly Invitae), Labcorp
Classification: Pathogenic for Very long chain acyl-CoA dehydrogenase deficiency. Last evaluated: 2025-11-05. Review status: criteria provided, single submitter. Criteria: Invitae Variant Classification Sherloc (09022015). Collection method: clinical testing. Allele origin: germline.
Comment: This sequence change creates a premature translational stop signal (p.Gly486Trpfs*76) in the ACADVL gene. It is expected to result in an absent or disrupted protein product. Loss-of-function variants in ACADVL are known to be pathogenic (PMID: 9973285, 11590124). This variant is not present in population databases (gnomAD no frequency). This variant has not been reported in the literature in individuals affected with ACADVL-related conditions. ClinVar contains an entry for this variant (Variation ID: 2843812). For these reasons, this variant has been classified as Pathogenic.

Literature cited by the submitters: PubMed 9973285; PubMed 11590124.